The following is an entry in ClinVar:

NM_000328.3(RPGR):c.2319dup (p.Ser774fs)

Gene: RPGR (retinitis pigmentosa GTPase regulator; minus strand). Cytogenetic location: Xp11.4.
Variant type: Duplication.
Coding change: c.2319dup on transcript NM_000328.3; coding-DNA position 2319, one base duplicated (A; older notation c.2319dupA).
Protein change: p.Ser774fs; shifts the reading frame from serine 774.
Molecular consequence: frameshift variant. On other transcripts: non-coding transcript variant (6).
Genome position (GRCh38, 1-based): chrX:38,269,755, T duplicated on the plus strand (A on the coding strand, the reverse complement: RPGR is on the minus strand); the first of 4 consecutive T bases (chrX:38,269,755-38,269,758); duplicating any one gives the same sequence. VCF-style (leftmost placement, unchanged base first): chrX-38269754-A-AT. GRCh37 (hg19) VCF-style: chrX-38129007-A-AT.
Other names: c.2316dup, p.Ser773fs (NM_001367245.1); c.2133dup, p.Ser712fs (NM_001367246.1); c.1986dup, p.Ser663fs (NM_001367247.1); c.2016dup, p.Ser673fs (NM_001367248.1); c.1983dup, p.Ser662fs (NM_001367249.1, NM_001367250.1); c.1800dup, p.Ser601fs (NM_001367251.1); short protein forms S774fs, S601fs, S662fs, S712fs, S663fs, S673fs, S773fs.
Identifiers: ClinVar variation 4723147 (VCV004723147.1).

ClinVar aggregate classification (germline): Uncertain significance (1 of 4 stars; one submission).

Conditions:
Primary ciliary dyskinesia. Also called: Ciliary dyskinesia. Identifiers: Orphanet 244, MedGen C0008780, MONDO:0016575, HP:0012265.

Submission:

Labcorp Genetics (formerly Invitae), Labcorp
Classification: Uncertain significance for Primary ciliary dyskinesia. Last evaluated: 2025-07-23. Review status: criteria provided, single submitter. Criteria: Invitae Variant Classification Sherloc (09022015). Collection method: clinical testing. Allele origin: germline.
Comment: This sequence change creates a premature translational stop signal (p.Ser774Ilefs*11) in the RPGR gene. While this is not anticipated to result in nonsense mediated decay, it is expected to disrupt the last 42 amino acid(s) of the RPGR protein. This variant is not present in population databases (gnomAD no frequency). This variant has not been reported in the literature in individuals affected with RPGR-related conditions. Experimental studies and prediction algorithms are not available or were not evaluated, and the functional significance of this variant is currently unknown. Algorithms developed to predict the effect of sequence changes on RNA splicing suggest that this variant may disrupt the consensus splice site. This variant disrupts the C-terminus of the RPGR protein. Other variant(s) that disrupt this region (p.Ile775Argfs*9, p.Asp787Argfs*10) have been observed in individuals with RPGR-related conditions (PMID: 33247286, 36819107). This suggests that this may be a clinically significant region of the protein. In summary, the available evidence is currently insufficient to determine the role of this variant in disease. Therefore, it has been classified as a Variant of Uncertain Significance.

Literature cited by the submitters: PubMed 33247286; PubMed 36819107.